The following is an entry in ClinVar:

NM_020778.5(ALPK3):c.93C>T (p.Ile31=)

Gene: ALPK3 (alpha kinase 3; plus strand). Cytogenetic location: 15q25.3.
Variant type: single nucleotide variant.
Coding change: c.93C>T on transcript NM_020778.5 (MANE Select); coding-DNA position 93, C replaced by T.
Protein change: p.Ile31=; no amino-acid change (isoleucine 31 retained).
Molecular consequence: synonymous variant.
Genome position (GRCh38, 1-based): chr15:84,817,545, C>T. VCF-style: chr15-84817545-C-T. GRCh37 (hg19) VCF-style: chr15-85360776-C-T.
Identifiers: ClinVar variation 1756509 (VCV001756509.12), dbSNP rs1217091968, ClinGen allele CA492277023.

ClinVar aggregate classification (germline): Likely benign. Review status: criteria provided, multiple submitters, no conflicts (2 of 4 stars). 6 submissions from 6 submitters: Likely benign (5). 1 of the submissions does not count toward it. Last evaluated 2026-01-05.

Conditions:
Cardiovascular phenotype. Identifiers: MedGen CN230736.
ALPK3-related disorder. Also called: ALPK3-related condition.
Cardiomyopathy, familial hypertrophic 27. Identifiers: MedGen C4748014, MONDO:0054838, OMIM 618052.

Allele frequency attached by ClinVar (database versions not stated): TOPMed 0.00006; gnomAD 0.00013; 1000 Genomes Project 30x 0.00031.
gnomAD v4.1: 51 of 1,502,122 alleles (0.0034%); highest among the groups gnomAD compares: Admixed American, 0.048%; no homozygotes.

Submissions (6):

Labcorp Genetics (formerly Invitae), Labcorp
Classification: Likely benign. Last evaluated: 2026-01-05. Review status: criteria provided, single submitter. Criteria: Invitae Variant Classification Sherloc (09022015). Collection method: clinical testing. Allele origin: germline.

Women's Health and Genetics/Laboratory Corporation of America, LabCorp
Classification: Likely benign. Last evaluated: 2025-04-17. Review status: criteria provided, single submitter. Criteria: LabCorp Variant Classification Summary - May 2015. Collection method: clinical testing. Allele origin: germline.

Molecular Diagnostic Laboratory for Inherited Cardiovascular Disease, Montreal Heart Institute
Classification: Likely benign. Last evaluated: 2025-04-09. Review status: criteria provided, single submitter. Criteria: ACMG Guidelines, 2015. Collection method: clinical testing. Allele origin: germline. Affected: no.

ARUP Laboratories, Molecular Genetics and Genomics, ARUP Laboratories
Classification: Likely benign for Cardiomyopathy, familial hypertrophic 27. Last evaluated: 2024-11-20. Review status: criteria provided, single submitter. Criteria: ARUP Molecular Germline Variant Investigation Process 2024. Collection method: clinical testing. Allele origin: germline.

Ambry Genetics
Classification: Likely benign for Cardiovascular phenotype. Last evaluated: 2020-09-01. Review status: criteria provided, single submitter. Criteria: Ambry Variant Classification Scheme 2023. Collection method: clinical testing. Allele origin: germline.

PreventionGenetics, part of Exact Sciences
Classification: Likely benign for ALPK3-related condition. Last evaluated: 2019-03-20. Review status: no assertion criteria provided. Collection method: clinical testing. Allele origin: germline. Not counted in ClinVar's aggregate classification.
Comment: This variant is classified as likely benign based on ACMG/AMP sequence variant interpretation guidelines (Richards et al. 2015 PMID: 25741868, with internal and published modifications).